The following is an entry in ClinVar:

ClinVar aggregate classification (germline): Uncertain significance. Review status: criteria provided, multiple submitters, no conflicts (2 of 4 stars). 3 submissions from 3 submitters: Uncertain significance (2). 1 of the submissions does not count toward it. Last evaluated 2024-03-28.

Conditions:
POLG-related disorder. Also called: POLG-Related Spectrum Disorders; POLG-related condition; POLG-Related Disorders. Identifiers: MedGen C4763519.
Progressive sclerosing poliodystrophy (MTDPS4A). Also called: Mitochondrial DNA Depletion Syndrome 4A; Alpers-Huttenlocher Syndrome (AHS); Alpers Syndrome; ALPERS DIFFUSE DEGENERATION OF CEREBRAL GRAY MATTER WITH HEPATIC CIRRHOSIS; Alpers-Huttenlocher Syndrome; Mitochondrial DNA depletion syndrome 4A (Alpers type). Identifiers: Orphanet 726, MedGen C0205710, MONDO:0008758, OMIM 203700.

Allele frequency attached by ClinVar (database versions not stated): gnomAD 0.00001; gnomAD exomes 0.00001; TOPMed 0.00001; ESP Exome Variant Server 0.00008.
gnomAD v4.1: 11 of 1,614,044 alleles (0.00068%); highest among the groups gnomAD compares: African/African-American, 0.0013%; no homozygotes.

Submissions (3):

Labcorp Genetics (formerly Invitae), Labcorp
Classification: Uncertain significance for Progressive sclerosing poliodystrophy. Last evaluated: 2024-03-28. Review status: criteria provided, single submitter. Criteria: Invitae Variant Classification Sherloc (09022015). Collection method: clinical testing. Allele origin: germline.
Comment: This sequence change replaces glutamic acid, which is acidic and polar, with lysine, which is basic and polar, at codon 536 of the POLG protein (p.Glu536Lys). This variant is present in population databases (rs369549749, gnomAD 0.007%). This variant has not been reported in the literature in individuals affected with POLG-related conditions. ClinVar contains an entry for this variant (Variation ID: 1307064). Advanced modeling of protein sequence and biophysical properties (such as structural, functional, and spatial information, amino acid conservation, physicochemical variation, residue mobility, and thermodynamic stability) has been performed at Invitae for this missense variant, however the output from this modeling did not meet the statistical confidence thresholds required to predict the impact of this variant on POLG protein function. In summary, the available evidence is currently insufficient to determine the role of this variant in disease. Therefore, it has been classified as a Variant of Uncertain Significance.

GeneDx
Classification: Uncertain significance. Last evaluated: 2019-07-18. Review status: criteria provided, single submitter. Criteria: GeneDx Variant Classification Process June 2021. Collection method: clinical testing. Allele origin: germline. Affected: yes.
Comment: Not observed at a significant frequency in large population cohorts (Lek et al., 2016); In silico analysis, which includes protein predictors and evolutionary conservation, supports that this variant does not alter protein structure/function; Has not been previously published as pathogenic or benign to our knowledge

PreventionGenetics, part of Exact Sciences
Classification: Uncertain significance for POLG-related condition. Last evaluated: 2024-07-10. Review status: no assertion criteria provided. Collection method: clinical testing. Allele origin: germline. Not counted in ClinVar's aggregate classification.
Comment: The POLG c.1606G>A variant is predicted to result in the amino acid substitution p.Glu536Lys. To our knowledge, this variant has not been reported in the literature. This variant is reported in 0.0062% of alleles in individuals of African descent in gnomAD. At this time, the clinical significance of this variant is uncertain due to the absence of conclusive functional and genetic evidence.

NM_002693.3(POLG):c.1606G>A (p.Glu536Lys)

Gene: POLG (DNA polymerase gamma, catalytic subunit; minus strand). Cytogenetic location: 15q26.1.
Variant type: single nucleotide variant.
Coding change: c.1606G>A on transcript NM_002693.3 (MANE Select); coding-DNA position 1606, G replaced by A.
Protein change: p.Glu536Lys; replaces glutamic acid 536 with lysine.
Molecular consequence: missense variant.
Genome position (GRCh38, 1-based): chr15:89,326,718, C>T on the plus strand (G>A on the coding strand, the complement: POLG is on the minus strand). VCF-style: chr15-89326718-C-T. GRCh37 (hg19) VCF-style: chr15-89869949-C-T.
Other names: c.1606G>A, p.Glu536Lys (NM_001126131.2); short protein forms E536K.
Identifiers: ClinVar variation 1307064 (VCV001307064.5), dbSNP rs369549749, ClinGen allele CA274555724.